The following is an entry in ClinVar:

NM_000051.4(ATM):c.7969A>G (p.Lys2657Glu)

Genes: ATM (ATM serine/threonine kinase; plus strand), C11orf65 (chromosome 11 open reading frame 65; minus strand). Cytogenetic location: 11q22.3.
Variant type: single nucleotide variant.
Coding change: c.7969A>G on transcript NM_000051.4 (MANE Select); coding-DNA position 7969, A replaced by G.
Protein change: p.Lys2657Glu; replaces lysine 2657 with glutamic acid.
Molecular consequence: missense variant. On other transcripts: intron variant (2).
Genome position (GRCh38, 1-based): chr11:108,333,927, A>G. VCF-style: chr11-108333927-A-G. GRCh37 (hg19) VCF-style: chr11-108204654-A-G.
Other names: c.*38+1293T>C (NM_001351110.2); c.7969A>G, p.Lys2657Glu (NM_001351834.2); c.641-24856T>C (NM_001330368.2); short protein forms K2657E.
Identifiers: ClinVar variation 407728 (VCV000407728.49), dbSNP rs755706903, ClinGen allele CA16613150.

ClinVar aggregate classification (germline): Uncertain significance (1 of 4 stars; one submission).

Conditions:
Ataxia-telangiectasia syndrome (AT). Also called: LOUIS-BAR SYNDROME; Cerebello-oculocutaneous telangiectasia; Immunodeficiency with ataxia telangiectasia; Ataxia-telangiectasia, complementation group D; AT, COMPLEMENTATION GROUP C; Ataxia-telangiectasia, complementation group E. Identifiers: Orphanet 100, MedGen C0004135, MONDO:0008840, OMIM 208900.

Submission:

Labcorp Genetics (formerly Invitae), Labcorp
Classification: Uncertain significance for Ataxia-telangiectasia syndrome. Last evaluated: 2025-05-05. Review status: criteria provided, single submitter. Criteria: Invitae Variant Classification Sherloc (09022015). Collection method: clinical testing. Allele origin: germline.
Comment: This sequence change replaces lysine, which is basic and polar, with glutamic acid, which is acidic and polar, at codon 2657 of the ATM protein (p.Lys2657Glu). This variant is not present in population databases (gnomAD no frequency). This variant has not been reported in the literature in individuals affected with ATM-related conditions. ClinVar contains an entry for this variant (Variation ID: 407728). Invitae Evidence Modeling of protein sequence and biophysical properties (such as structural, functional, and spatial information, amino acid conservation, physicochemical variation, residue mobility, and thermodynamic stability) indicates that this missense variant is not expected to disrupt ATM protein function with a negative predictive value of 95%. In summary, the available evidence is currently insufficient to determine the role of this variant in disease. Therefore, it has been classified as a Variant of Uncertain Significance.